The following is an entry in ClinVar:

NC_000002.11:g.(?_73746892)_(73747153_?)del

Gene: ALMS1 (ALMS1 centrosome and basal body associated protein; plus strand). Cytogenetic location: 2p13.1.
Variant type: Deletion.
Identifiers: ClinVar variation 2426066 (VCV002426066.3).

ClinVar aggregate classification (germline): Pathogenic (1 of 4 stars; one submission).

Conditions:
Alstrom syndrome (ALMS). Identifiers: Orphanet 64, MedGen C0268425, MONDO:0008763, OMIM 203800.

Submission:

Labcorp Genetics (formerly Invitae), Labcorp
Classification: Pathogenic for Alstrom syndrome. Last evaluated: 2022-10-07. Review status: criteria provided, single submitter. Criteria: Invitae Variant Classification Sherloc (09022015). Collection method: clinical testing. Allele origin: germline.
Comment: This variant is a gross deletion of the genomic region encompassing exon(s) 11 of the ALMS1 gene. This deletion is out-of-frame, and is expected to create a premature termination codon and result in an absent or disrupted protein product. Loss-of-function variants in ALMS1 are known to be pathogenic (PMID: 17594715). This variant has not been reported in the literature in individuals affected with ALMS1-related conditions. For these reasons, this variant has been classified as Pathogenic.

Literature cited by the submitters: PubMed 17594715.